The following is an entry in ClinVar:

NM_000245.4(MET):c.200_201delinsAC (p.Thr67Asn)

Gene: MET (MET proto-oncogene, receptor tyrosine kinase; plus strand). Cytogenetic location: 7q31.2.
Variant type: Indel.
Coding change: c.200_201delinsAC on transcript NM_000245.4 (MANE Select); coding-DNA positions 200 to 201, CT replaced by AC.
Protein change: p.Thr67Asn; replaces threonine 67 with asparagine.
Molecular consequence: missense variant. On other transcripts: intron variant (1).
Genome position (GRCh38, 1-based): chr7:116,699,284-116,699,285, CT replaced by AC. VCF-style: chr7-116699284-CT-AC. GRCh37 (hg19) VCF-style: chr7-116339338-CT-AC.
Other names: c.200_201delinsAC, p.Thr67Asn (NM_001127500.3, NM_001324401.3); c.-91+26707_-91+26708delinsAC (NM_001324402.2); short protein forms T67N.
Identifiers: ClinVar variation 1784224 (VCV001784224.6), dbSNP rs2485506613, ClinGen allele CA2580076239.

ClinVar aggregate classification (germline): Uncertain significance. Review status: criteria provided, multiple submitters, no conflicts (2 of 4 stars). 2 submissions from 2 submitters: Uncertain significance (2). Last evaluated 2024-10-26.

Conditions:
Renal cell carcinoma. Identifiers: Orphanet 217071, MedGen C0007134, MeSH D002292, MONDO:0005086, HP:0005584.
Hereditary cancer-predisposing syndrome. Also called: Neoplastic Syndromes, Hereditary; Tumor predisposition; Hereditary Cancer Syndrome; Hereditary neoplastic syndrome. Identifiers: Orphanet 140162, MedGen C0027672, MeSH D009386, MONDO:0015356.

Submissions (2):

Ambry Genetics
Classification: Uncertain significance for Hereditary cancer-predisposing syndrome. Last evaluated: 2024-10-26. Review status: criteria provided, single submitter. Criteria: Ambry Variant Classification Scheme 2023. Collection method: clinical testing. Allele origin: germline.
Comment: The c.200_201delCTinsAC variant, located in coding exon 1 of the MET gene, results from an in-frame deletion of CT and insertion of AC at nucleotide positions 200 to 201. This results in the substitution of the threonine residue for an asparagine residue at codon 67, an amino acid with similar properties. This amino acid position is not well conserved in available vertebrate species. In addition, this alteration is predicted to be neutral by in silico analysis (Choi Y et al. PLoS ONE. 2012; 7(10):e46688). Since supporting evidence is limited at this time, the clinical significance of this alteration remains unclear.

Labcorp Genetics (formerly Invitae), Labcorp
Classification: Uncertain significance for Renal cell carcinoma. Last evaluated: 2023-02-27. Review status: criteria provided, single submitter. Criteria: Invitae Variant Classification Sherloc (09022015). Collection method: clinical testing. Allele origin: germline.
Comment: This sequence change replaces threonine, which is neutral and polar, with asparagine, which is neutral and polar, at codon 67 of the MET protein (p.Thr67Asn). In summary, the available evidence is currently insufficient to determine the role of this variant in disease. Therefore, it has been classified as a Variant of Uncertain Significance. An algorithm developed to predict the effect of missense changes on protein structure and function (PolyPhen-2) suggests that this variant is likely to be disruptive. ClinVar contains an entry for this variant (Variation ID: 1784224). This variant has not been reported in the literature in individuals affected with MET-related conditions.